The following is an entry in ClinVar:

NM_020937.4(FANCM):c.5072A>G (p.Asn1691Ser)

Gene: FANCM (FA complementation group M; plus strand). Cytogenetic location: 14q21.2.
Variant type: single nucleotide variant.
Coding change: c.5072A>G on transcript NM_020937.4 (MANE Select); coding-DNA position 5072, A replaced by G.
Protein change: p.Asn1691Ser; replaces asparagine 1691 with serine.
Molecular consequence: missense variant.
Genome position (GRCh38, 1-based): chr14:45,189,094, A>G. VCF-style: chr14-45189094-A-G. GRCh37 (hg19) VCF-style: chr14-45658297-A-G.
Other names: c.5072A>G (LRG_502t1); c.4994A>G, p.Asn1665Ser (NM_001308133.2); short protein forms N1665S, N1691S.
Identifiers: ClinVar variation 652036 (VCV000652036.11), dbSNP rs1594815120, ClinGen allele CA389612256.

ClinVar aggregate classification (germline): Uncertain significance. Review status: criteria provided, multiple submitters, no conflicts (2 of 4 stars). 2 submissions from 2 submitters: Uncertain significance (2). Last evaluated 2026-07-10.

Conditions:
Inborn genetic diseases. Identifiers: MedGen C0950123, MeSH D030342.
Fanconi anemia (FA). Also called: Fanconi's anemia. Identifiers: Orphanet 84, MedGen C0015625, MeSH D005199, MONDO:0019391.

gnomAD v4.1: 1 of 1,614,212 alleles (0.000062%); no homozygotes.

Submissions (2):

Ambry Genetics
Classification: Uncertain significance for Inborn genetic diseases. Last evaluated: 2026-07-10. Review status: criteria provided, single submitter. Criteria: Ambry Variant Classification Scheme 2023. Collection method: clinical testing. Allele origin: germline.
Comment: The p.N1691S variant (also known as c.5072A>G), located in coding exon 20 of the FANCM gene, results from an A to G substitution at nucleotide position 5072. The asparagine at codon 1691 is replaced by serine, an amino acid with highly similar properties. This amino acid position is conserved. In addition, this alteration is predicted to be tolerated by in silico analysis. Based on the available evidence, the clinical significance of this variant remains unclear.

Labcorp Genetics (formerly Invitae), Labcorp
Classification: Uncertain significance for Fanconi anemia. Last evaluated: 2019-10-21. Review status: criteria provided, single submitter. Criteria: Invitae Variant Classification Sherloc (09022015). Collection method: clinical testing. Allele origin: germline.
Comment: This variant has not been reported in the literature in individuals with FANCM-related conditions. Algorithms developed to predict the effect of missense changes on protein structure and function output the following: SIFT: "Tolerated"; PolyPhen-2: "Benign"; Align-GVGD: "Class C0". The serine amino acid residue is found in multiple mammalian species, suggesting that this missense change does not adversely affect protein function. These predictions have not been confirmed by published functional studies and their clinical significance is uncertain. In summary, the available evidence is currently insufficient to determine the role of this variant in disease. Therefore, it has been classified as a Variant of Uncertain Significance. This sequence change replaces asparagine with serine at codon 1691 of the FANCM protein (p.Asn1691Ser). The asparagine residue is weakly conserved and there is a small physicochemical difference between asparagine and serine. This variant is not present in population databases (ExAC no frequency).